The following is an entry in ClinVar:

ClinVar aggregate classification (germline): Conflicting classifications of pathogenicity. Review status: criteria provided, conflicting classifications (1 of 4 stars). 16 submissions from 16 submitters: Uncertain significance (11); Benign (1); Likely benign (2). 2 of the submissions do not count toward it. Last evaluated 2026-05-20.

Conditions:
Familial ovarian cancer. Identifiers: MedGen C5679802, MONDO:0016248.
Fanconi anemia complementation group J. Also called: BRIP1-Related Fanconi Anemia. Identifiers: Orphanet 84, MedGen C1836860, MONDO:0012187, OMIM 609054.
Ovarian cancer. Also called: OVARIAN CANCER, SOMATIC. Identifiers: Orphanet 213500, MedGen C1140680, MONDO:0008170, OMIM 167000.
BRIP1-related disorder. Also called: BRIP1-related condition; BRIP1-related disorders. Identifiers: MedGen CN239206.
Hereditary cancer-predisposing syndrome. Also called: Neoplastic Syndromes, Hereditary; Tumor predisposition; Hereditary Cancer Syndrome; Hereditary neoplastic syndrome. Identifiers: Orphanet 140162, MedGen C0027672, MeSH D009386, MONDO:0015356.
Familial cancer of breast. Also called: hereditary breast carcinoma; BREAST CANCER, FAMILIAL; Hereditary breast cancer. Identifiers: Orphanet 227535, MedGen C0346153, MONDO:0016419, OMIM 114480. Disease mechanism: loss of function.
Hereditary breast ovarian cancer syndrome. Also called: Hereditary breast and ovarian cancer; Hereditary breast and ovarian cancer syndrome (HBOC); Breast and ovarian cancer; BRCA1- and BRCA2-Associated Hereditary Breast and Ovarian Cancer; Hereditary breast and/or ovarian cancer syndrome; Hereditary breast and ovarian cancer syndrome. Identifiers: Orphanet 145, MedGen C0677776, MeSH D061325, MONDO:0003582. Disease mechanism: loss of function.

Allele frequency attached by ClinVar (database versions not stated): ExAC 0.00003; gnomAD 0.00003; gnomAD exomes 0.00003 and 0.00004; TOPMed 0.00003; 1000 Genomes Project 30x 0.00016; 1000 Genomes Project 0.00020.
gnomAD v4.1: 44 of 1,613,632 alleles (0.0027%); highest among the groups gnomAD compares: East Asian, 0.06%; no homozygotes.

Submissions (16):

Ambry Genetics
Classification: Benign for Hereditary cancer-predisposing syndrome. Last evaluated: 2026-05-20. Review status: criteria provided, single submitter. Criteria: Ambry Variant Classification Scheme 2023. Collection method: clinical testing. Allele origin: germline.

Labcorp Genetics (formerly Invitae), Labcorp
Classification: Uncertain significance for Familial cancer of breast; Fanconi anemia complementation group J. Last evaluated: 2026-01-28. Review status: criteria provided, single submitter. Criteria: Invitae Variant Classification Sherloc (09022015). Collection method: clinical testing. Allele origin: germline.
Comment: This sequence change replaces isoleucine, which is neutral and non-polar, with valine, which is neutral and non-polar, at codon 952 of the BRIP1 protein (p.Ile952Val). This variant is present in population databases (rs200239986, gnomAD 0.05%). This missense change has been observed in individual(s) with breast cancer, head and neck cancer, biliary tract cancer, and prostate cancer (PMID: 26689913, 26790966, 31214711, 36243179). ClinVar contains an entry for this variant (Variation ID: 232950). Invitae Evidence Modeling of protein sequence and biophysical properties (such as structural, functional, and spatial information, amino acid conservation, physicochemical variation, residue mobility, and thermodynamic stability) indicates that this missense variant is not expected to disrupt BRIP1 protein function with a negative predictive value of 95%. In summary, the available evidence is currently insufficient to determine the role of this variant in disease. Therefore, it has been classified as a Variant of Uncertain Significance.

GeneDx
Classification: Uncertain significance. Last evaluated: 2025-07-08. Review status: criteria provided, single submitter. Criteria: GeneDx Variant Classification Process June 2021. Collection method: clinical testing. Allele origin: germline. Affected: yes.
Comment: In silico analysis suggests that this missense variant does not alter protein structure/function; This variant is associated with the following publications: (PMID: 25589003, 26790966, 26689913, 26709662, 29338689, 31214711, 35681111, 32566746, 36243179, 37900835, 11301010)

PreventionGenetics, part of Exact Sciences
Classification: Uncertain significance for BRIP1-related condition. Last evaluated: 2025-05-27. Review status: criteria provided, single submitter. Criteria: ACMG Guidelines, 2015. Collection method: clinical testing. Allele origin: germline.
Comment: The BRIP1 c.2854A>G variant is predicted to result in the amino acid substitution p.Ile952Val. This variant was reported in an individuals with breast cancer and head and neck squamous cell carcinoma (Park et al. 2018. PubMed ID: 29338689; Kim et al. 2016. PubMed ID: 26790966; Okawa et al. 2022. PubMed ID: 36243179; Lu et al. 2015. PubMed ID: 26689913). This variant is reported in 0.054% of alleles in individuals of East Asian descent in gnomAD and has conflicting interpretations in ClinVar ranging from uncertain to likely benign. Although we suspect that this variant may be benign, at this time, the clinical significance of this variant is uncertain due to the absence of conclusive functional and genetic evidence.

Women's Health and Genetics/Laboratory Corporation of America, LabCorp
Classification: Uncertain significance. Last evaluated: 2025-03-31. Review status: criteria provided, single submitter. Criteria: LabCorp Variant Classification Summary - May 2015. Collection method: clinical testing. Allele origin: germline.
Comment: Variant summary: BRIP1 c.2854A>G (p.Ile952Val) results in a conservative amino acid change in the encoded protein sequence. Five of five in-silico tools predict a benign effect of the variant on protein function. The variant allele was found at a frequency of 4.4e-05 in 250782 control chromosomes, predominantly at a frequency of 0.00054 within the East Asian subpopulation in the gnomAD database. Although the observed variant frequency within East Asian control individuals in the gnomAD database is approximately 9 fold of the estimated maximal expected allele frequency for a pathogenic variant in BRIP1 causing Hereditary Breast And Ovarian Cancer Syndrome phenotype (6.3e-05), this frequency is not significantly higher than estimated for a pathogenic variant in BRIP1 causing Autosomal Recessive Fanconi Anemia Complementation Group J (4.4e-05 vs 0.0004), allowing no conclusion about variant significance. . c.2854A>G has been reported in the literature in individuals affected with breast cancer or prostate cancer (Kim_2016, Momozawa_2019). These reports do not provide unequivocal conclusions about association of the variant with Hereditary Breast And Ovarian Cancer Syndrome or Fanconi Anemia Complementation Group J. The following publications have been ascertained in the context of this evaluation (PMID: 26790966, 31214711). To our knowledge, no experimental evidence demonstrating an impact on protein function has been reported. ClinVar contains an entry for this variant (Variation ID: 232950). Based on the evidence outlined above, the variant was classified as uncertain significance.

Center for Genomic Medicine, Rigshospitalet, Copenhagen University Hospital
Classification: Uncertain significance. Last evaluated: 2025-03-04. Review status: criteria provided, single submitter. Criteria: ACMG Guidelines, 2015. Collection method: clinical testing. Allele origin: germline.

Color Diagnostics, LLC DBA Color Health
Classification: Likely benign for Hereditary cancer-predisposing syndrome. Last evaluated: 2024-09-19. Review status: criteria provided, single submitter. Criteria: ACMG Guidelines, 2015. Collection method: clinical testing. Allele origin: germline.

Department of Human Genetics, Hannover Medical School
Classification: Uncertain significance for Familial cancer of breast. Last evaluated: 2024-09-19. Review status: criteria provided, single submitter. Criteria: ACMG Guidelines, 2015. Collection method: clinical testing. Allele origin: germline. Affected: yes.

Quest Diagnostics Nichols Institute San Juan Capistrano
Classification: Likely benign. Last evaluated: 2024-03-26. Review status: criteria provided, single submitter. Criteria: Quest Diagnostics criteria. Collection method: clinical testing. Allele origin: unknown.

Myriad Genetics, Inc.
Classification: Uncertain significance for Familial cancer of breast. Last evaluated: 2023-02-27. Review status: criteria provided, single submitter. Criteria: Myriad Autosomal Dominant, Autosomal Recessive and X-Linked Classification Criteria (2023). Collection method: clinical testing. Allele origin: unknown.
Comment: This variant is classified as a variant of uncertain significance as there is insufficient evidence to determine its impact on protein function and/or cancer risk.

Cancer Genomics Group, Japanese Foundation For Cancer Research
Classification: Uncertain significance for Hereditary breast ovarian cancer syndrome. Last evaluated: 2022-03-30. Review status: criteria provided, single submitter. Criteria: ACMG Guidelines, 2015. Collection method: research. Allele origin: germline. Affected: yes.

Department of Pathology and Laboratory Medicine, Sinai Health System
Classification: Uncertain significance for familial ovarian cancer. Last evaluated: 2021-09-28. Review status: criteria provided, single submitter. Criteria: ACMG Guidelines, 2015. Collection method: clinical testing. Allele origin: germline. Affected: yes.

Mendelics
Classification: Uncertain significance for Familial cancer of breast. Last evaluated: 2019-05-28. Review status: criteria provided, single submitter. Criteria: Mendelics Assertion Criteria 2017. Collection method: clinical testing. Allele origin: unknown.

Illumina Laboratory Services, Illumina
Classification: Uncertain significance for Fanconi anemia complementation group J. Last evaluated: 2017-04-27. Review status: criteria provided, single submitter. Criteria: ICSL Variant Classification Criteria 13 December 2019. Collection method: clinical testing. Allele origin: germline.

Leiden Open Variation Database
Classification: Benign. Last evaluated: 2019-08-13. Review status: no assertion criteria provided. Collection method: curation. Allele origin: germline. Affected: yes. Not counted in ClinVar's aggregate classification.
Comment: Curator: Arleen D. Auerbach. Submitter to LOVD: Yukihide Momozawa.

Counsyl
Classification: Uncertain significance for Fanconi anemia complementation group J; Ovarian cancer. Last evaluated: 2017-02-14. Review status: no assertion criteria provided. Collection method: clinical testing. Allele origin: unknown. Not counted in ClinVar's aggregate classification.

Literature cited by the submitters: PubMed 26689913 (cited by 5 submitters); PubMed 26709662 (cited by Ambry Genetics); PubMed 26790966 (cited by 6 submitters); PubMed 29338689 (cited by Ambry Genetics); PubMed 32566746 (cited by Ambry Genetics); PubMed 31214711 (cited by 5 submitters); PubMed 36243179 (cited by Labcorp Genetics (formerly Invitae), Labcorp and Quest Diagnostics Nichols Institute San Juan Capistrano); PubMed 33471991 (cited by Quest Diagnostics Nichols Institute San Juan Capistrano).

NM_032043.3(BRIP1):c.2854A>G (p.Ile952Val)

Gene: BRIP1 (BRCA1 interacting DNA helicase 1; minus strand). Cytogenetic location: 17q23.2.
Variant type: single nucleotide variant.
Coding change: c.2854A>G on transcript NM_032043.3 (MANE Select); coding-DNA position 2854, A replaced by G.
Protein change: p.Ile952Val; replaces isoleucine 952 with valine.
Molecular consequence: missense variant.
Genome position (GRCh38, 1-based): chr17:61,685,887, T>C on the plus strand (A>G on the coding strand, the complement: BRIP1 is on the minus strand). VCF-style: chr17-61685887-T-C. GRCh37 (hg19) VCF-style: chr17-59763248-T-C.
Other names: short protein forms I952V.
Identifiers: ClinVar variation 232950 (VCV000232950.44), dbSNP rs200239986, ClinGen allele CA8690447.
Genomic context (GRCh38, chr17:61,685,887, plus strand): 5'-TTTTCATACTTTTCTCCTTTCTGGAGATAATGCTACTTGGTAGAGGTGAATTTTTGGTAA[T>C]AATTTTAGGACACTGTAGTTCCTGGACACATATCTTTGCTTCATCTTCCACAAAATTTTC-3'
Protein context (NP_114432.2, residues 942-962): CVQELQCPKI[Ile952Val]TKNSPLPSSI